The following is an entry in ClinVar:

ClinVar aggregate classification (germline): Uncertain significance (1 of 4 stars; one submission).

Submission:

GeneDx
Classification: Uncertain significance. Last evaluated: 2022-11-16. Review status: criteria provided, single submitter. Criteria: GeneDx Variant Classification Process June 2021. Collection method: clinical testing. Allele origin: germline. Affected: yes.
Comment: Not observed at significant frequency in large population cohorts (gnomAD); Frameshift variant predicted to result in protein truncation or nonsense mediated decay in a gene or region of a gene for which loss of function is not a well-established mechanism of disease; Has not been previously published as pathogenic or benign to our knowledge; Variants in candidate genes are classified as variants of uncertain significance in accordance with ACMG guidelines (Richards et al., 2015)

NM_152753.4(SCUBE3):c.2186dup (p.Leu730fs)

Genes: SCUBE3 (signal peptide, CUB domain and EGF like domain containing 3; plus strand), LOC126859661 (CDK7 strongly-dependent group 2 enhancer GRCh37_chr6:35211069-35212268; plus strand). Cytogenetic location: 6p21.31.
Variant type: Duplication.
Coding change: c.2186dup on transcript NM_152753.4 (MANE Select); coding-DNA position 2186, one base duplicated (G; older notation c.2186dupG).
Protein change: p.Leu730fs; shifts the reading frame from leucine 730.
Molecular consequence: frameshift variant.
Genome position (GRCh38, 1-based): chr6:35,244,077, G duplicated; the last of 5 consecutive G bases (chr6:35,244,073-35,244,077); duplicating any one gives the same sequence. VCF-style (leftmost placement, unchanged base first): chr6-35244072-T-TG. GRCh37 (hg19) VCF-style: chr6-35211849-T-TG.
Other names: c.2183dup, p.Leu729fs (NM_001303136.2); short protein forms L729fs, L730fs.
Identifiers: ClinVar variation 3342701 (VCV003342701.1).